The following is an entry in ClinVar:

ClinVar aggregate classification (germline): Uncertain significance (1 of 4 stars; one submission).

Conditions:
Retinitis pigmentosa 59 (RP59). Identifiers: Orphanet 791, MedGen C3151227, MONDO:0013468, OMIM 613861.

gnomAD v4.1: 3 of 1,614,206 alleles (0.00019%); highest among the groups gnomAD compares: African/African-American, 0.0027%; no homozygotes.

Submission:

Labcorp Genetics (formerly Invitae), Labcorp
Classification: Uncertain significance for Retinitis pigmentosa 59. Last evaluated: 2025-08-26. Review status: criteria provided, single submitter. Criteria: Invitae Variant Classification Sherloc (09022015). Collection method: clinical testing. Allele origin: germline.
Comment: This sequence change replaces alanine, which is neutral and non-polar, with threonine, which is neutral and polar, at codon 17 of the DHDDS protein (p.Ala17Thr). This variant is present in population databases (no rsID available, gnomAD 0.007%). This variant has not been reported in the literature in individuals affected with DHDDS-related conditions. An algorithm developed to predict the effect of missense changes on protein structure and function (PolyPhen-2) suggests that this variant is likely to be tolerated. In summary, the available evidence is currently insufficient to determine the role of this variant in disease. Therefore, it has been classified as a Variant of Uncertain Significance.

NM_205861.3(DHDDS):c.49G>A (p.Ala17Thr)

Gene: DHDDS (dehydrodolichyl diphosphate synthase subunit; plus strand). Cytogenetic location: 1p36.11.
Variant type: single nucleotide variant.
Coding change: c.49G>A on transcript NM_205861.3 (MANE Select); coding-DNA position 49, G replaced by A.
Protein change: p.Ala17Thr; replaces alanine 17 with threonine.
Molecular consequence: missense variant. On other transcripts: 5 prime UTR variant (1).
Genome position (GRCh38, 1-based): chr1:26,432,994, G>A. VCF-style: chr1-26432994-G-A. GRCh37 (hg19) VCF-style: chr1-26759485-G-A.
Other names: c.49G>A, p.Ala17Thr (NM_001243564.2, NM_001243565.2, NM_024887.4); c.-254G>A (NM_001319959.2); short protein forms A17T.
Identifiers: ClinVar variation 4806439 (VCV004806439.1).
Genomic context (GRCh38, chr1:26,432,994, plus strand): 5'-TGGAAAAGAACTATGTCATGGATCAAGGAAGGAGAGCTGTCACTTTGGGAGCGGTTCTGT[G>A]CCAACATCATAAAGGTGAGCAATGGCCCAGAGCACCGGTTGGCCTTCTGGTCAGTTGGAT-3'
Protein context (NP_995583.1, residues 7-27): GELSLWERFC[Ala17Thr]NIIKAGPMPK